The following is an entry in ClinVar:

ClinVar aggregate classification (germline): Pathogenic/Likely pathogenic. Review status: criteria provided, multiple submitters, no conflicts (2 of 4 stars). 2 submissions from 2 submitters: Pathogenic (1); Likely pathogenic (1). Last evaluated 2026-09-08.

Conditions:
Fabry disease. Also called: ALPHA-GALACTOSIDASE A DEFICIENCY; ANDERSON-FABRY DISEASE; CERAMIDE TRIHEXOSIDASE DEFICIENCY; GLA DEFICIENCY; HEREDITARY DYSTOPIC LIPIDOSIS; Angiokeratoma corporis diffusum. Identifiers: Orphanet 324, MedGen C0002986, MONDO:0010526, OMIM 301500, HP:0001071. Disease mechanism: Fabry disease is due to inactivating mutations in the X-linked GLA gene resulting in deficiency of the enzyme Alpha Galactosidase-A., loss of function.

Submissions (2):

Genomenon, Inc
Classification: Likely pathogenic for Fabry disease. Last evaluated: 2026-09-08. Review status: criteria provided, single submitter. Criteria: Genomenon Sequence Variant Interpretation Standards - Updated. Collection method: curation. Allele origin: germline. Affected: yes.
Comment: GLA p.Ala350Pro (c.1048G>C) is a missense variant that changes the amino acid at codon 350 from Alanine to Proline. This variant has been observed in at least one proband with clinical features consistent with Fabry disease (PMID:24020479;22710134;16720462;26340726;39980015;14505049). At least one functional study has demonstrated a substantial alteration in protein function relative to the wild-type (PMID:27657681). It is absent or not present at a significant frequency in gnomAD. In silico models predict that this variant is possibly or probably damaging. In conclusion, we classify GLA p.Ala350Pro (c.1048G>C) as a likely pathogenic variant.

Genetics Laboratory, Great Ormond Street Hospital NHS Foundation Trust, North Thames Genomic Laboratory Hub
Classification: Pathogenic for Fabry disease. Last evaluated: 2026-06-01. Review status: criteria provided, single submitter. Criteria: ACGS Best Practice Guidelines for Variant Classification in Rare Disease 2024 v1.2. Collection method: clinical testing. Allele origin: germline. Affected: yes.
Comment: PS4_moderate, PM2_moderate, PP3_supporting, PM5_supporting, PS3_supporting, PP4_strong

Literature cited by the submitters: PubMed 24020479 (cited by Genomenon, Inc); PubMed 22710134 (cited by Genomenon, Inc); PubMed 16720462 (cited by Genomenon, Inc); PubMed 26340726 (cited by Genomenon, Inc); PubMed 39980015 (cited by Genomenon, Inc); PubMed 14505049 (cited by Genomenon, Inc); PubMed 27657681 (cited by Genomenon, Inc).

NM_000169.3(GLA):c.1048G>C (p.Ala350Pro)

Genes: GLA (galactosidase alpha; minus strand), RPL36A-HNRNPH2 (RPL36A-HNRNPH2 readthrough; plus strand). Cytogenetic location: Xq22.1.
Variant type: single nucleotide variant.
Coding change: c.1048G>C on transcript NM_000169.3 (MANE Select); coding-DNA position 1048, G replaced by C.
Protein change: p.Ala350Pro; replaces alanine 350 with proline.
Molecular consequence: missense variant. On other transcripts: non-coding transcript variant (3), intron variant (2).
Genome position (GRCh38, 1-based): chrX:101,398,051, C>G on the plus strand (G>C on the coding strand, the complement: GLA is on the minus strand). VCF-style: chrX-101398051-C-G. GRCh37 (hg19) VCF-style: chrX-100653039-C-G.
Other names: c.1171G>C, p.Ala391Pro (NM_001406747.1); c.300+2594C>G (NM_001199973.2); c.177+6229C>G (NM_001199974.2); short protein forms A350P, A391P.
Identifiers: ClinVar variation 4087625 (VCV004087625.3).